The following is an entry in ClinVar:

ClinVar aggregate classification (germline): Benign/Likely benign. Review status: criteria provided, multiple submitters, no conflicts (2 of 4 stars). 10 submissions from 10 submitters: Benign (8); Likely benign (2). Last evaluated 2026-02-02.

Conditions:
Usher syndrome type 1G. Also called: USHER SYNDROME, TYPE IG, MILD. Identifiers: Orphanet 231169, Orphanet 886, MedGen C1847089, MONDO:0011748, OMIM 606943.

Allele frequency attached by ClinVar (database versions not stated): gnomAD exomes 0.00366 and 0.00993; ExAC 0.01175; 1000 Genomes Project 0.03474; gnomAD 0.03680 and 0.03966; 1000 Genomes Project 30x 0.03748; TOPMed 0.04292; ESP Exome Variant Server 0.04536.
gnomAD v4.1: 11,208 of 1,613,660 alleles (0.69%); highest among the groups gnomAD compares: African/African-American, 13%; 612 homozygotes.

Submissions (10):

Labcorp Genetics (formerly Invitae), Labcorp
Classification: Benign. Last evaluated: 2026-02-02. Review status: criteria provided, single submitter. Criteria: Invitae Variant Classification Sherloc (09022015). Collection method: clinical testing. Allele origin: germline.

ARUP Laboratories, Molecular Genetics and Genomics, ARUP Laboratories
Classification: Benign for Usher syndrome type 1G. Last evaluated: 2023-11-06. Review status: criteria provided, single submitter. Criteria: ARUP Molecular Germline Variant Investigation Process 2024. Collection method: clinical testing. Allele origin: germline.

Fulgent Genetics
Classification: Benign for Usher syndrome type 1G. Last evaluated: 2022-05-13. Review status: criteria provided, single submitter. Criteria: ACMG Guidelines, 2015. Collection method: clinical testing. Allele origin: unknown.

Women's Health and Genetics/Laboratory Corporation of America, LabCorp
Classification: Likely benign. Last evaluated: 2021-12-10. Review status: criteria provided, single submitter. Criteria: LabCorp Variant Classification Summary - May 2015. Collection method: clinical testing. Allele origin: germline.

GeneDx
Classification: Benign. Last evaluated: 2018-12-20. Review status: criteria provided, single submitter. Criteria: GeneDx Variant Classification Process June 2021. Collection method: clinical testing. Allele origin: germline. Affected: yes.
Comment: This variant is associated with the following publications: (PMID: 25404053, 25528277, 17896313, 30245029)

Athena Diagnostics
Classification: Benign. Last evaluated: 2018-09-12. Review status: criteria provided, single submitter. Criteria: Athena Diagnostics Criteria. Collection method: clinical testing. Allele origin: germline.

Illumina Laboratory Services, Illumina
Classification: Benign for Usher syndrome type 1G. Last evaluated: 2018-01-12. Review status: criteria provided, single submitter. Criteria: ICSL Variant Classification Criteria 13 December 2019. Collection method: clinical testing. Allele origin: germline.
Comment: This variant was observed in the ICSL laboratory as part of a predisposition screen in an ostensibly healthy population. It had not been previously curated by ICSL or reported in the Human Gene Mutation Database (HGMD: prior to June 1st, 2018), and was therefore a candidate for classification through an automated scoring system. Utilizing variant allele frequency, disease prevalence and penetrance estimates, and inheritance mode, an automated score was calculated to assess if this variant is too frequent to cause the disease. Based on the score and internal cut-off values, a variant classified as benign is not then subjected to further curation. The score for this variant resulted in a classification of benign for this disease.

Center for Pediatric Genomic Medicine, Children's Mercy Hospital and Clinics
Classification: Benign. Last evaluated: 2017-04-11. Review status: criteria provided, single submitter. Criteria: ACMG Guidelines, 2015. Collection method: clinical testing. Allele origin: germline.

Laboratory for Molecular Medicine, Mass General Brigham Personalized Medicine
Classification: Benign. Last evaluated: 2011-09-25. Review status: criteria provided, single submitter. Criteria: LMM Criteria. Collection method: clinical testing. Allele origin: germline. Observed: 47 variant alleles.
Comment: Lys130Glu in exon 2 of USH1G: This variant is not expected to have clinical sign ificance because it has been identified with a frequency greater than 5% in cont rols (rs111033465).

Breakthrough Genomics
Classification: Likely benign. Review status: criteria provided, single submitter. Criteria: ACMG Guidelines, 2015. Collection method: not provided. Allele origin: germline. Inheritance: Autosomal recessive inheritance. Affected: yes.

Literature cited by the submitters: PubMed 17896313 (cited by Laboratory for Molecular Medicine, Mass General Brigham Personalized Medicine).

NM_173477.5(USH1G):c.388A>G (p.Lys130Glu)

Gene: USH1G (USH1 protein network component sans; minus strand). Cytogenetic location: 17q25.1.
Variant type: single nucleotide variant.
Coding change: c.388A>G on transcript NM_173477.5 (MANE Select); coding-DNA position 388, A replaced by G.
Protein change: p.Lys130Glu; replaces lysine 130 with glutamic acid.
Molecular consequence: missense variant.
Genome position (GRCh38, 1-based): chr17:74,920,448, T>C on the plus strand (A>G on the coding strand, the complement: USH1G is on the minus strand). VCF-style: chr17-74920448-T-C. GRCh37 (hg19) VCF-style: chr17-72916543-T-C.
Other names: p.K130E:AAG>GAG; c.79A>G, p.Lys27Glu (NM_001282489.3); short protein forms K130E, K27E.
Identifiers: ClinVar variation 48130 (VCV000048130.29), dbSNP rs111033465, ClinGen allele CA142652.